The following is an entry in ClinVar:

ClinVar aggregate classification (germline): Likely benign (0 of 4 stars; one submission).

Conditions:
LRTOMT-related disorder. Also called: LRTOMT-related condition.

Submission:

PreventionGenetics, part of Exact Sciences
Classification: Likely benign for LRTOMT-related condition. Last evaluated: 2020-02-03. Review status: no assertion criteria provided. Collection method: clinical testing. Allele origin: germline.
Comment: This variant is classified as likely benign based on ACMG/AMP sequence variant interpretation guidelines (Richards et al. 2015 PMID: 25741868, with internal and published modifications).

NM_145309.6(LRRC51):c.409A>G (p.Asn137Asp)

Genes: LRRC51 (leucine rich repeat containing 51; plus strand), LRTOMT (leucine rich transmembrane and O-methyltransferase domain containing; plus strand). Cytogenetic location: 11q13.4.
Variant type: single nucleotide variant.
Coding change: c.409A>G on transcript NM_145309.6 (MANE Select); coding-DNA position 409, A replaced by G.
Protein change: p.Asn137Asp; replaces asparagine 137 with aspartic acid.
Molecular consequence: missense variant. On other transcripts: non-coding transcript variant (2), synonymous variant (3).
Genome position (GRCh38, 1-based): chr11:72,095,068, A>G. VCF-style: chr11-72095068-A-G. GRCh37 (hg19) VCF-style: chr11-71806114-A-G.
Other names: c.409A>G, p.Asn137Asp (NM_001145307.5, NM_001271471.3, NM_001318803.2); c.355A>G, p.Asn119Asp (NM_001205138.4); c.6A>G, p.Gly2= (NM_001145308.5, NM_001145309.4, NM_001145310.4); short protein forms N119D, N137D.
Identifiers: ClinVar variation 3039178 (VCV003039178.2), dbSNP rs2499335025, ClinGen allele CA381721705.